The following is an entry in ClinVar:

NM_001009944.3(PKD1):c.8161+15G>A

Gene: PKD1 (polycystin 1, transient receptor potential channel interacting; minus strand). Cytogenetic location: 16p13.3.
Variant type: single nucleotide variant.
Coding change: c.8161+15G>A on transcript NM_001009944.3 (MANE Select); 15 bases into the intron after coding-DNA position 8161, G replaced by A.
Molecular consequence: intron variant.
Genome position (GRCh38, 1-based): chr16:2,104,483, C>T on the plus strand (G>A on the coding strand, the complement: PKD1 is on the minus strand). VCF-style: chr16-2104483-C-T. GRCh37 (hg19) VCF-style: chr16-2154484-C-T.
Other names: c.8161+15G>A (NM_000296.4).
Identifiers: ClinVar variation 997182 (VCV000997182.3), dbSNP rs776023570, ClinGen allele CA7830697.

ClinVar aggregate classification (germline): Likely benign. Review status: criteria provided, single submitter (1 of 4 stars). 2 submissions from 2 submitters: Likely benign (1). 1 of the submissions does not count toward it. Last evaluated 2025-04-22.

Conditions:
Polycystic kidney disease. Also called: Polycystic kidney dysplasia; Kidney, Polycystic. Identifiers: MedGen C0022680, MeSH D007690, MONDO:0020642, HP:0000113.

Allele frequency attached by ClinVar (database versions not stated): gnomAD 0.00009 and 0.00010; gnomAD exomes 0.00009; ExAC 0.00016.
gnomAD v4.1: 140 of 1,503,316 alleles (0.0093%); highest among the groups gnomAD compares: Admixed American, 0.12%; no homozygotes.

Submissions (2):

Women's Health and Genetics/Laboratory Corporation of America, LabCorp
Classification: Likely benign. Last evaluated: 2025-04-22. Review status: criteria provided, single submitter. Criteria: LabCorp Variant Classification Summary - May 2015. Collection method: clinical testing. Allele origin: germline.

Department of Pathology and Laboratory Medicine, Sinai Health System
Classification: Likely benign for Polycystic Kidney disease. Review status: no assertion criteria provided. Collection method: clinical testing. Allele origin: unknown. Affected: yes. Study: The Canadian Open Genetics Repository (COGR). Not counted in ClinVar's aggregate classification.
Comment: The PKD1 c.8161+15G>A variant was not identified in the literature nor was it identified in the ClinVar, LOVD 3.0, ADPKD Mutation Database, or PKD1-LOVD databases. The variant was identified in dbSNP (ID: rs776023570) as "NA". The variant was identified in control databases in 40 of 175700 chromosomes at a frequency of 0.0002 increasing the likelihood this could be a low frequency benign variant (Genome Aggregation Database Feb 27, 2017). The variant was observed in the following populations: Other in 1 of 4766 chromosomes (freq: 0.0002), Latino in 31 of 25518 chromosomes (freq: 0.001), European Non-Finnish in 5 of 72410 chromosomes (freq: 0.00007), East Asian in 1 of 12894 chromosomes (freq: 0.00008), Finnish in 1 of 13372 chromosomes (freq: 0.000075), and South Asian in 1 of 23512 chromosomes (freq: 0.00004); it was not observed in the African or Ashkenazi Jewish populations. The variant occurs outside of the splicing consensus sequence and in silico or computational prediction software programs (SpliceSiteFinder, MaxEntScan, NNSPLICE, GeneSplicer) do not predict a difference in splicing. In summary, based on the above information the clinical significance of this variant cannot be determined with certainty at this time although we would lean towards a more benign role for this variant. This variant is classified as likely benign.